The following is an entry in ClinVar:

ClinVar aggregate classification (germline): Likely benign. Review status: criteria provided, single submitter (1 of 4 stars). 2 submissions from 2 submitters: Likely benign (1). 1 of the submissions does not count toward it. Last evaluated 2023-04-11.

Conditions:
TALDO1-related disorder. Also called: TALDO1-related condition.

Allele frequency attached by ClinVar (database versions not stated): TOPMed below 0.00001.
gnomAD v4.1: 2 of 1,610,332 alleles (0.00012%); highest among the groups gnomAD compares: Non-Finnish European, 0.00017%; no homozygotes.

Submissions (2):

Labcorp Genetics (formerly Invitae), Labcorp
Classification: Likely benign. Last evaluated: 2023-04-11. Review status: criteria provided, single submitter. Criteria: Invitae Variant Classification Sherloc (09022015). Collection method: clinical testing. Allele origin: germline.

PreventionGenetics, part of Exact Sciences
Classification: Likely benign for TALDO1-related condition. Last evaluated: 2021-06-03. Review status: no assertion criteria provided. Collection method: clinical testing. Allele origin: germline. Not counted in ClinVar's aggregate classification.
Comment: This variant is classified as likely benign based on ACMG/AMP sequence variant interpretation guidelines (Richards et al. 2015 PMID: 25741868, with internal and published modifications).

NM_006755.2(TALDO1):c.225A>G (p.Ser75=)

Gene: TALDO1 (transaldolase 1; plus strand). Cytogenetic location: 11p15.5.
Variant type: single nucleotide variant.
Coding change: c.225A>G on transcript NM_006755.2 (MANE Select); coding-DNA position 225, A replaced by G.
Protein change: p.Ser75=; no amino-acid change (serine 75 retained).
Molecular consequence: synonymous variant.
Genome position (GRCh38, 1-based): chr11:758,953, A>G. VCF-style: chr11-758953-A-G. GRCh37 (hg19) VCF-style: chr11-758953-A-G.
Other names: c.225A>G (NM_006755.1).
Identifiers: ClinVar variation 1971114 (VCV001971114.7), dbSNP rs1379501440, ClinGen allele CA472332660.